The following is an entry in ClinVar:

ClinVar aggregate classification (germline): Uncertain significance (1 of 4 stars; one submission).

Allele frequency attached by ClinVar (database versions not stated): TOPMed below 0.00001.

Submission:

Labcorp Genetics (formerly Invitae), Labcorp
Classification: Uncertain significance. Last evaluated: 2021-11-30. Review status: criteria provided, single submitter. Criteria: Invitae Variant Classification Sherloc (09022015). Collection method: clinical testing. Allele origin: germline.
Comment: In summary, the available evidence is currently insufficient to determine the role of this variant in disease. Therefore, it has been classified as a Variant of Uncertain Significance. Advanced modeling of protein sequence and biophysical properties (such as structural, functional, and spatial information, amino acid conservation, physicochemical variation, residue mobility, and thermodynamic stability) performed at Invitae indicates that this missense variant is not expected to disrupt FAT4 protein function. This variant has not been reported in the literature in individuals affected with FAT4-related conditions. This variant is not present in population databases (gnomAD no frequency). This sequence change replaces aspartic acid, which is acidic and polar, with asparagine, which is neutral and polar, at codon 1571 of the FAT4 protein (p.Asp1571Asn).

NM_001291303.3(FAT4):c.4711G>A (p.Asp1571Asn)

Gene: FAT4 (FAT atypical cadherin 4; plus strand). Cytogenetic location: 4q28.1.
Variant type: single nucleotide variant.
Coding change: c.4711G>A on transcript NM_001291303.3 (MANE Select); coding-DNA position 4711, G replaced by A.
Protein change: p.Asp1571Asn; replaces aspartic acid 1571 with asparagine.
Molecular consequence: missense variant.
Genome position (GRCh38, 1-based): chr4:125,321,122, G>A. VCF-style: chr4-125321122-G-A. GRCh37 (hg19) VCF-style: chr4-126242277-G-A.
Other names: c.4711G>A, p.Asp1571Asn (NM_001291285.3, NM_024582.6); short protein forms D1571N.
Identifiers: ClinVar variation 2018598 (VCV002018598.4), dbSNP rs1390000624, ClinGen allele CA358127693.